The following is an entry in ClinVar:

NM_017714.3(TASP1):c.327G>T (p.Leu109=)

Gene: TASP1 (taspase 1; minus strand). Cytogenetic location: 20p12.1.
Variant type: single nucleotide variant.
Coding change: c.327G>T on transcript NM_017714.3 (MANE Select); coding-DNA position 327, G replaced by T.
Protein change: p.Leu109=; no amino-acid change (leucine 109 retained).
Molecular consequence: synonymous variant. On other transcripts: non-coding transcript variant (4), intron variant (1).
Genome position (GRCh38, 1-based): chr20:13,587,326, C>A on the plus strand (G>T on the coding strand, the complement: TASP1 is on the minus strand). VCF-style: chr20-13587326-C-A. GRCh37 (hg19) VCF-style: chr20-13567973-C-A.
Other names: NC_000020.10:g.13567973C>A; c.21G>T, p.Leu7= (NM_001323603.2, NM_001323604.2); c.282+36120G>T (NM_001323602.2).
Identifiers: ClinVar variation 3034428 (VCV003034428.3), dbSNP rs117248024, ClinGen allele CA9766767.
Genomic context (GRCh38, chr20:13,587,326, plus strand): 5'-TGCTCCAAAATTTAAGGATTTTCCATCCATTATGCTGGCATCACACTCAATTTCACCTAA[C>A]AGATTTAGATTAGATCCCATTCCTGCATTTGTAAAAGGAGAATCCTAAAAGACAAAAACA-3'
Protein context (NP_060184.2, residues 99-119): TNAGMGSNLN[Leu109=]LGEIECDASI

ClinVar aggregate classification (germline): Benign (0 of 4 stars; one submission).

Conditions:
TASP1-related disorder. Also called: TASP1-related condition.

Allele frequency attached by ClinVar (database versions not stated): ESP Exome Variant Server 0.00138; gnomAD 0.00324; 1000 Genomes Project 30x 0.00359; 1000 Genomes Project 0.00379; ExAC 0.00552.
gnomAD v4.1: 5,970 of 1,612,028 alleles (0.37%); highest among the groups gnomAD compares: Admixed American, 1.6%; 38 homozygotes.

Submissions (28):

PreventionGenetics, part of Exact Sciences
Classification: Benign for TASP1-related condition. Last evaluated: 2019-11-12. Review status: no assertion criteria provided. Collection method: clinical testing. Allele origin: germline.
Comment: This variant is classified as benign based on ACMG/AMP sequence variant interpretation guidelines (Richards et al. 2015 PMID: 25741868, with internal and published modifications).

Dr. Peter K. Rogan Lab, Western University
No classification provided (evidence only). Condition: Malignant tumor of urinary bladder. Review status: no classification provided. Collection method: in vitro. Allele origin: not applicable. Functional consequence: retained intron. Not counted in ClinVar's aggregate classification.

Dr. Peter K. Rogan Lab, Western University
No classification provided (evidence only). Condition: Malignant tumor of urinary bladder. Review status: no classification provided. Collection method: in vitro. Allele origin: not applicable. Functional consequence: retained intron. Not counted in ClinVar's aggregate classification.

Dr. Peter K. Rogan Lab, Western University
No classification provided (evidence only). Condition: Clear cell carcinoma of kidney. Review status: no classification provided. Collection method: in vitro. Allele origin: not applicable. Functional consequence: retained intron. Not counted in ClinVar's aggregate classification.

Dr. Peter K. Rogan Lab, Western University
No classification provided (evidence only). Condition: Lung cancer. Review status: no classification provided. Collection method: in vitro. Allele origin: not applicable. Functional consequence: retained intron. Not counted in ClinVar's aggregate classification.

Dr. Peter K. Rogan Lab, Western University
No classification provided (evidence only). Condition: Lung cancer. Review status: no classification provided. Collection method: in vitro. Allele origin: not applicable. Functional consequence: retained intron. Not counted in ClinVar's aggregate classification.

Dr. Peter K. Rogan Lab, Western University
No classification provided (evidence only). Condition: Melanoma. Review status: no classification provided. Collection method: in vitro. Allele origin: not applicable. Functional consequence: retained intron. Not counted in ClinVar's aggregate classification.

Dr. Peter K. Rogan Lab, Western University
No classification provided (evidence only). Condition: Melanoma. Review status: no classification provided. Collection method: in vitro. Allele origin: not applicable. Functional consequence: retained intron. Not counted in ClinVar's aggregate classification.

Dr. Peter K. Rogan Lab, Western University
No classification provided (evidence only). Condition: Familial cancer of breast. Review status: no classification provided. Collection method: in vitro. Allele origin: not applicable. Functional consequence: retained intron. Not counted in ClinVar's aggregate classification.

Dr. Peter K. Rogan Lab, Western University
No classification provided (evidence only). Condition: Familial cancer of breast. Review status: no classification provided. Collection method: in vitro. Allele origin: not applicable. Functional consequence: retained intron. Not counted in ClinVar's aggregate classification.

Dr. Peter K. Rogan Lab, Western University
No classification provided (evidence only). Condition: Familial cancer of breast. Review status: no classification provided. Collection method: in vitro. Allele origin: not applicable. Functional consequence: retained intron. Not counted in ClinVar's aggregate classification.

Dr. Peter K. Rogan Lab, Western University
No classification provided (evidence only). Condition: Familial cancer of breast. Review status: no classification provided. Collection method: in vitro. Allele origin: not applicable. Functional consequence: retained intron. Not counted in ClinVar's aggregate classification.

Dr. Peter K. Rogan Lab, Western University
No classification provided (evidence only). Condition: Acute myeloid leukemia. Review status: no classification provided. Collection method: in vitro. Allele origin: not applicable. Functional consequence: retained intron. Not counted in ClinVar's aggregate classification.

Dr. Peter K. Rogan Lab, Western University
No classification provided (evidence only). Condition: Colorectal cancer. Review status: no classification provided. Collection method: in vitro. Allele origin: not applicable. Functional consequence: retained intron. Not counted in ClinVar's aggregate classification.

Dr. Peter K. Rogan Lab, Western University
No classification provided (evidence only). Condition: Thyroid cancer, nonmedullary, 1. Review status: no classification provided. Collection method: in vitro. Allele origin: not applicable. Functional consequence: skipped exon. Not counted in ClinVar's aggregate classification.

Dr. Peter K. Rogan Lab, Western University
No classification provided (evidence only). Condition: Thyroid cancer, nonmedullary, 1. Review status: no classification provided. Collection method: in vitro. Allele origin: not applicable. Functional consequence: retained intron. Not counted in ClinVar's aggregate classification.

Dr. Peter K. Rogan Lab, Western University
No classification provided (evidence only). Condition: Cervical cancer. Review status: no classification provided. Collection method: in vitro. Allele origin: not applicable. Functional consequence: retained intron. Not counted in ClinVar's aggregate classification.

Dr. Peter K. Rogan Lab, Western University
No classification provided (evidence only). Condition: Sarcoma. Review status: no classification provided. Collection method: in vitro. Allele origin: not applicable. Functional consequence: retained intron. Not counted in ClinVar's aggregate classification.

Dr. Peter K. Rogan Lab, Western University
No classification provided (evidence only). Condition: Sarcoma. Review status: no classification provided. Collection method: in vitro. Allele origin: not applicable. Functional consequence: retained intron. Not counted in ClinVar's aggregate classification.

Dr. Peter K. Rogan Lab, Western University
No classification provided (evidence only). Condition: Hepatocellular carcinoma. Review status: no classification provided. Collection method: in vitro. Allele origin: not applicable. Functional consequence: retained intron. Not counted in ClinVar's aggregate classification.

Dr. Peter K. Rogan Lab, Western University
No classification provided (evidence only). Condition: Hepatocellular carcinoma. Review status: no classification provided. Collection method: in vitro. Allele origin: not applicable. Functional consequence: retained intron. Not counted in ClinVar's aggregate classification.

Dr. Peter K. Rogan Lab, Western University
No classification provided (evidence only). Condition: Hepatocellular carcinoma. Review status: no classification provided. Collection method: in vitro. Allele origin: not applicable. Functional consequence: retained intron. Not counted in ClinVar's aggregate classification.

Dr. Peter K. Rogan Lab, Western University
No classification provided (evidence only). Condition: Thymoma. Review status: no classification provided. Collection method: in vitro. Allele origin: not applicable. Functional consequence: retained intron. Not counted in ClinVar's aggregate classification.

Dr. Peter K. Rogan Lab, Western University
No classification provided (evidence only). Condition: Thymoma. Review status: no classification provided. Collection method: in vitro. Allele origin: not applicable. Functional consequence: retained intron. Not counted in ClinVar's aggregate classification.

Dr. Peter K. Rogan Lab, Western University
No classification provided (evidence only). Condition: Ovarian serous cystadenocarcinoma. Review status: no classification provided. Collection method: in vitro. Allele origin: not applicable. Functional consequence: retained intron. Not counted in ClinVar's aggregate classification.

Dr. Peter K. Rogan Lab, Western University
No classification provided (evidence only). Condition: Gastric cancer. Review status: no classification provided. Collection method: in vitro. Allele origin: not applicable. Functional consequence: retained intron. Not counted in ClinVar's aggregate classification.

Dr. Peter K. Rogan Lab, Western University
No classification provided (evidence only). Condition: Gastric cancer. Review status: no classification provided. Collection method: in vitro. Allele origin: not applicable. Functional consequence: retained intron. Not counted in ClinVar's aggregate classification.

Dr. Peter K. Rogan Lab, Western University
No classification provided (evidence only). Condition: Malignant tumor of esophagus. Review status: no classification provided. Collection method: in vitro. Allele origin: not applicable. Functional consequence: skipped exon, retained intron. Not counted in ClinVar's aggregate classification.